The following is an entry in ClinVar:

ClinVar aggregate classification (germline): Likely pathogenic (1 of 4 stars; one submission).

Conditions:
Short-rib thoracic dysplasia 6 with or without polydactyly (SRTD6). Also called: POLYDACTYLY WITH NEONATAL CHONDRODYSTROPHY, TYPE II; Majewski Syndrome; SHORT RIB-POLYDACTYLY SYNDROME, TYPE IIA; SHORT-RIB THORACIC DYSPLASIA 6 WITH POLYDACTYLY; SHORT-RIB THORACIC DYSPLASIA 6 WITHOUT POLYDACTYLY. Identifiers: MedGen C0024507, MONDO:0009894, OMIM 263520.

Submission:

Variantyx, Inc.
Classification: Likely pathogenic for Short-rib thoracic dysplasia 6 with or without polydactyly. Last evaluated: 2025-08-26. Review status: criteria provided, single submitter. Criteria: Variantyx Assertion Criteria 2022. Collection method: clinical testing. Allele origin: germline. Inheritance: Autosomal recessive inheritance. Affected: yes.
Comment: This is a canonical splicing variant in the NEK1 gene (OMIM: 604588). Pathogenic variants in this gene have been associated with autosomal recessive short-rib thoracic dysplasia 6 with or without polydactyly. Although loss of function is a known disease mechanism for NEK1 in this disorder, the functional consequence of this splicing variant cannot be predicted with certainty (PMID: 22499340, 29068549, 35495032, 32920598) (PVS1_Moderate). The clinical symptoms reported for this proband are highly specific for autosomal recessive short-rib thoracic dysplasia 6 with or without polydactyly, which has a limited genetic etiology (PMID: 21211617) (PP4_Moderate). This variant is absent from control populations (PM2_Moderate) and has not been reported in individuals with NEK1-related disorders in the databases available for review. Based on the current evidence, this variant is classified as likely pathogenic for autosomal recessive short-rib thoracic dysplasia 6 with or without polydactyly.

Literature cited by the submitters: PubMed 22499340; PubMed 29068549; PubMed 35495032; PubMed 32920598.

NM_001199397.3(NEK1):c.606+1G>T

Gene: NEK1 (NIMA related kinase 1; minus strand). Cytogenetic location: 4q33.
Variant type: single nucleotide variant.
Coding change: c.606+1G>T on transcript NM_001199397.3 (MANE Select); the canonical splice donor site of the intron after coding-DNA position 606, G replaced by T.
Molecular consequence: splice donor variant.
Genome position (GRCh38, 1-based): chr4:169,587,558, C>A on the plus strand (G>T on the coding strand, the complement: NEK1 is on the minus strand). VCF-style: chr4-169587558-C-A. GRCh37 (hg19) VCF-style: chr4-170508709-C-A.
Other names: c.-16+1G>T (NM_001440625.1, NM_001440624.1); c.606+1G>T (NM_001374421.1, NM_001374420.1, NM_001199399.3 and 11 more transcripts).
Identifiers: ClinVar variation 4813764 (VCV004813764.1).